The following is an entry in ClinVar:

NM_004380.3(CREBBP):c.2330G>T (p.Gly777Val)

Gene: CREBBP (CREB binding lysine acetyltransferase; minus strand). Cytogenetic location: 16p13.3.
Variant type: single nucleotide variant.
Coding change: c.2330G>T on transcript NM_004380.3 (MANE Select); coding-DNA position 2330, G replaced by T.
Protein change: p.Gly777Val; replaces glycine 777 with valine.
Molecular consequence: missense variant.
Genome position (GRCh38, 1-based): chr16:3,773,884, C>A on the plus strand (G>T on the coding strand, the complement: CREBBP is on the minus strand). VCF-style: chr16-3773884-C-A. GRCh37 (hg19) VCF-style: chr16-3823885-C-A.
Other names: c.2216G>T, p.Gly739Val (NM_001079846.1); short protein forms G739V, G777V.
Identifiers: ClinVar variation 4982221 (VCV004982221.1).
Genomic context (GRCh38, chr16:3,773,884, plus strand): 5'-TTCTGTGGCAGAAACTGGCTCTGAGCGGGCGCCTGGGCCATCATGTTGTTGGTGTGTGCA[C>A]CCATCATGTTCGGAGGCTGAGGCATTCGGGAAGGAGAAATGGCCATCTACGAGACAACAA-3'
Protein context (NP_004371.2, residues 767-787): SRMPQPPNMM[Gly777Val]AHTNNMMAQA

ClinVar aggregate classification (germline): Uncertain significance (1 of 4 stars; one submission).

Conditions:
CREBBP-related disorder. Also called: CREBBP-related condition; CREBBP-related disorders.

gnomAD v4.1: 1 of 1,612,264 alleles (0.000062%); highest among the groups gnomAD compares: African/African-American, 0.0013%; no homozygotes.

Submission:

PreventionGenetics, part of Exact Sciences
Classification: Uncertain significance for CREBBP-related condition. Last evaluated: 2026-09-16. Review status: criteria provided, single submitter. Criteria: ACMG Guidelines, 2015. Collection method: clinical testing. Allele origin: germline.
Comment: The CREBBP c.2330G>T variant is predicted to result in the amino acid substitution p.Gly777Val. To our knowledge, this variant has not been reported in the literature or in a large population database (gnomAD), indicating this variant is rare. At this time, the clinical significance of this variant is uncertain due to the absence of conclusive functional and genetic evidence.